The following is an entry in ClinVar:

ClinVar aggregate classification (germline): Uncertain significance (1 of 4 stars; one submission).

Conditions:
Ullrich congenital muscular dystrophy 2 (UCMD2). Identifiers: Orphanet 75840, MedGen C4225314, MONDO:0014654, OMIM 616470.
Bethlem myopathy 2 (BTHLM2). Identifiers: Orphanet 536516, Orphanet 610, MedGen C4225313, MONDO:0034022, OMIM 616471.

gnomAD v4.1: 1 of 1,606,452 alleles (0.000062%); highest among the groups gnomAD compares: Non-Finnish European, 0.000085%; no homozygotes.

Submission:

Labcorp Genetics (formerly Invitae), Labcorp
Classification: Uncertain significance for Bethlem myopathy 2; Ullrich congenital muscular dystrophy 2. Last evaluated: 2018-09-12. Review status: criteria provided, single submitter. Criteria: Invitae Variant Classification Sherloc (09022015). Collection method: clinical testing. Allele origin: germline.
Comment: This sequence change replaces methionine with leucine at codon 2159 of the COL12A1 protein (p.Met2159Leu). The methionine residue is highly conserved and there is a small physicochemical difference between methionine and leucine. In summary, the available evidence is currently insufficient to determine the role of this variant in disease. Therefore, it has been classified as a Variant of Uncertain Significance. Algorithms developed to predict the effect of missense changes on protein structure and function (SIFT, PolyPhen-2, Align-GVGD) all suggest that this variant is likely to be tolerated, but these predictions have not been confirmed by published functional studies and their clinical significance is uncertain. This variant has not been reported in the literature in individuals with COL12A1-related disease. This variant is not present in population databases (ExAC no frequency).

NM_004370.6(COL12A1):c.6475A>T (p.Met2159Leu)

Gene: COL12A1 (collagen type XII alpha 1 chain; minus strand). Cytogenetic location: 6q13.
Variant type: single nucleotide variant.
Coding change: c.6475A>T on transcript NM_004370.6 (MANE Select); coding-DNA position 6475, A replaced by T.
Protein change: p.Met2159Leu; replaces methionine 2159 with leucine.
Molecular consequence: missense variant.
Genome position (GRCh38, 1-based): chr6:75,125,259, T>A on the plus strand (A>T on the coding strand, the complement: COL12A1 is on the minus strand). VCF-style: chr6-75125259-T-A. GRCh37 (hg19) VCF-style: chr6-75834975-T-A.
Other names: c.2983A>T, p.Met995Leu (NM_080645.3); short protein forms M2159L, M995L.
Identifiers: ClinVar variation 650652 (VCV000650652.9), dbSNP rs1582089675, ClinGen allele CA364729550.